The following is an entry in ClinVar:

NM_144992.5(VWA3B):c.2810_2813del (p.Val937fs)

Gene: VWA3B (von Willebrand factor A domain containing 3B; plus strand). Cytogenetic location: 2q11.2.
Variant type: Deletion.
Coding change: c.2810_2813del on transcript NM_144992.5 (MANE Select); coding-DNA positions 2810 to 2813, 4 bases deleted (TTTG; older notation c.2810_2813delTTTG).
Protein change: p.Val937fs; shifts the reading frame from valine 937.
Molecular consequence: frameshift variant. On other transcripts: non-coding transcript variant (1).
Genome position (GRCh38, 1-based): chr2:98,256,141-98,256,144, TTTG deleted; deleting any 4 consecutive bases within chr2:98,256,138-98,256,144 gives the same sequence; the c. name uses the placement nearest the transcript's 3' end. VCF-style (leftmost placement, unchanged base first): chr2-98256137-ATTGT-A. GRCh37 (hg19) VCF-style: chr2-98872600-ATTGT-A.
Other names: c.2810_2813delTTTG (NM_144992.5); c.1781_1784del, p.Val594fs (NM_001345864.2); short protein forms V594fs, V937fs.
Identifiers: ClinVar variation 2637423 (VCV002637423.1), dbSNP rs760453877, ClinGen allele CA1793082.

ClinVar aggregate classification (germline): Uncertain significance (1 of 4 stars; one submission).

Submission:

Women's Health and Genetics/Laboratory Corporation of America, LabCorp
Classification: Uncertain significance. Last evaluated: 2023-10-23. Review status: criteria provided, single submitter. Criteria: LabCorp Variant Classification Summary - May 2015. Collection method: clinical testing. Allele origin: germline.
Comment: Variant summary: VWA3B c.2810_2813delTTTG (p.Val937GlyfsX12) results in a premature termination codon, predicted to cause a truncation of the encoded protein or absence of the protein due to nonsense mediated decay, however the molecular mechanism of disease attributed to VWA3B is currently unclear. The variant allele was found at a frequency of 2e-05 in 248758 control chromosomes (i.e. in 5 carriers). The available data on variant occurrences in the general population are insufficient to allow any conclusion about variant significance. In addition, several other truncating variants are reported in the VWA3B gene with high allele frequencies, and multiple homozygotes in the gnomAD database v2.1 dataset. These data indicate that certain truncating variants might not be associated with disease in the VWA3B gene. To our knowledge, no occurrence of c.2810_2813delTTTG in individuals affected with Spinocerebellar Ataxia, Autosomal Recessive 22 and no experimental evidence demonstrating its impact on protein function have been reported. No submitters have cited clinical-significance assessments for this variant to ClinVar after 2014. Based on the evidence outlined above, the variant was classified as uncertain significance.